The following is an entry in ClinVar:

ClinVar aggregate classification (germline): Uncertain significance (1 of 4 stars; one submission).

Conditions:
Hereditary sensory neuropathy-deafness-dementia syndrome. Also called: HSN IE; Hereditary Sensory and Autonomic Neuropathy Type 1E (HSAN1E); Hereditary sensory neuropathy type IE; NEUROPATHY, HEREDITARY SENSORY, WITH HEARING LOSS AND DEMENTIA. Identifiers: Orphanet 456318, MedGen C3279885, MONDO:0013584, OMIM 614116.

gnomAD v4.1: 6 of 1,614,008 alleles (0.00037%); highest among the groups gnomAD compares: Non-Finnish European, 0.00051%; no homozygotes.

Submission:

Labcorp Genetics (formerly Invitae), Labcorp
Classification: Uncertain significance for Hereditary sensory neuropathy-deafness-dementia syndrome. Last evaluated: 2024-10-01. Review status: criteria provided, single submitter. Criteria: Invitae Variant Classification Sherloc (09022015). Collection method: clinical testing. Allele origin: germline.
Comment: This sequence change replaces methionine, which is neutral and non-polar, with arginine, which is basic and polar, at codon 728 of the DNMT1 protein (p.Met728Arg). This variant is present in population databases (no rsID available, gnomAD 0.002%). This variant has not been reported in the literature in individuals affected with DNMT1-related conditions. Invitae Evidence Modeling of protein sequence and biophysical properties (such as structural, functional, and spatial information, amino acid conservation, physicochemical variation, residue mobility, and thermodynamic stability) indicates that this missense variant is not expected to disrupt DNMT1 protein function with a negative predictive value of 80%. In summary, the available evidence is currently insufficient to determine the role of this variant in disease. Therefore, it has been classified as a Variant of Uncertain Significance.

NM_001130823.3(DNMT1):c.2183T>G (p.Met728Arg)

Gene: DNMT1 (DNA methyltransferase 1; minus strand). Cytogenetic location: 19p13.2.
Variant type: single nucleotide variant.
Coding change: c.2183T>G on transcript NM_001130823.3 (MANE Select); coding-DNA position 2183, T replaced by G.
Protein change: p.Met728Arg; replaces methionine 728 with arginine.
Molecular consequence: missense variant.
Genome position (GRCh38, 1-based): chr19:10,151,480, A>C on the plus strand (T>G on the coding strand, the complement: DNMT1 is on the minus strand). VCF-style: chr19-10151480-A-C. GRCh37 (hg19) VCF-style: chr19-10262156-A-C.
Other names: c.2135T>G, p.Met712Arg (NM_001318730.2, NM_001379.4); c.1820T>G, p.Met607Arg (NM_001318731.2); short protein forms M607R, M728R, M712R.
Identifiers: ClinVar variation 3709845 (VCV003709845.2).
Genomic context (GRCh38, chr19:10,151,480, plus strand): 5'-GAGATGCGATTCTTGTTCTGTTTCTTCTTCTTCCCCTGGTGCATTTTTTTGGGTGACGGC[A>C]TCTCTGGGATGTTATCATCGACTTCCTCATCGTCATCTGCCTCCTTCATGGCCATATTGG-3'
Protein context (NP_001124295.1, residues 718-738): DEEVDDNIPE[Met728Arg]PSPKKMHQGK